The following is an entry in ClinVar:

ClinVar aggregate classification (germline): Uncertain significance (1 of 4 stars; one submission).

Allele frequency attached by ClinVar (database versions not stated): ExAC 0.00001.

Submission:

Labcorp Genetics (formerly Invitae), Labcorp
Classification: Uncertain significance. Last evaluated: 2022-01-14. Review status: criteria provided, single submitter. Criteria: Invitae Variant Classification Sherloc (09022015). Collection method: clinical testing. Allele origin: germline.
Comment: This sequence change replaces serine, which is neutral and polar, with asparagine, which is neutral and polar, at codon 345 of the ASAH1 protein (p.Ser345Asn). This variant is present in population databases (rs750036716, gnomAD 0.0009%). This variant has not been reported in the literature in individuals affected with ASAH1-related conditions. Algorithms developed to predict the effect of missense changes on protein structure and function are either unavailable or do not agree on the potential impact of this missense change (SIFT: "Deleterious"; PolyPhen-2: "Benign"; Align-GVGD: "Class C0"). In summary, the available evidence is currently insufficient to determine the role of this variant in disease. Therefore, it has been classified as a Variant of Uncertain Significance.

NM_177924.5(ASAH1):c.1034G>A (p.Ser345Asn)

Gene: ASAH1 (N-acylsphingosine amidohydrolase 1; minus strand). Cytogenetic location: 8p22.
Variant type: single nucleotide variant.
Coding change: c.1034G>A on transcript NM_177924.5 (MANE Select); coding-DNA position 1034, G replaced by A.
Protein change: p.Ser345Asn; replaces serine 345 with asparagine.
Molecular consequence: missense variant.
Genome position (GRCh38, 1-based): chr8:18,059,348, C>T on the plus strand (G>A on the coding strand, the complement: ASAH1 is on the minus strand). VCF-style: chr8-18059348-C-T. GRCh37 (hg19) VCF-style: chr8-17916857-C-T.
Other names: c.1016G>A, p.Ser339Asn (NM_001127505.3); c.839G>A, p.Ser280Asn (NM_001363743.2); c.1082G>A, p.Ser361Asn (NM_004315.6); short protein forms S339N, S345N, S361N, S280N.
Identifiers: ClinVar variation 1483010 (VCV001483010.5), dbSNP rs750036716, ClinGen allele CA4650588.